The following is an entry in ClinVar:

NM_206926.2(SELENON):c.*698T>C

Gene: SELENON (selenoprotein N; plus strand). Cytogenetic location: 1p36.11.
Variant type: single nucleotide variant.
Coding change: c.*698T>C on transcript NM_206926.2 (MANE Select); 698 bases downstream of the stop codon, T replaced by C.
Molecular consequence: 3 prime UTR variant.
Genome position (GRCh38, 1-based): chr1:25,816,416, T>C. VCF-style: chr1-25816416-T-C. GRCh37 (hg19) VCF-style: chr1-26142907-T-C.
Other names: c.*698T>C (NM_020451.3).
Identifiers: ClinVar variation 875411 (VCV000875411.4), dbSNP rs147807764, ClinGen allele CA19699301.

ClinVar aggregate classification (germline): Benign (1 of 4 stars; one submission).

Conditions:
SEPN1-related disorder. Also called: SEPN1-Related Disorders. Identifiers: MedGen CN239420.

Allele frequency attached by ClinVar (database versions not stated): gnomAD 0.00621 and 0.00671; TOPMed 0.00663; 1000 Genomes Project 30x 0.00578; 1000 Genomes Project 0.00539.

Submission:

Illumina Laboratory Services, Illumina
Classification: Benign for SEPN1-Related Disorders. Last evaluated: 2018-01-13. Review status: criteria provided, single submitter. Criteria: ICSL Variant Classification Criteria 13 December 2019. Collection method: clinical testing. Allele origin: germline.
Comment: This variant was observed in the ICSL laboratory as part of a predisposition screen in an ostensibly healthy population. It had not been previously curated by ICSL or reported in the Human Gene Mutation Database (HGMD: prior to June 1st, 2018), and was therefore a candidate for classification through an automated scoring system. Utilizing variant allele frequency, disease prevalence and penetrance estimates, and inheritance mode, an automated score was calculated to assess if this variant is too frequent to cause the disease. Based on the score and internal cut-off values, a variant classified as benign is not then subjected to further curation. The score for this variant resulted in a classification of benign for this disease.